The following is an entry in ClinVar:

ClinVar aggregate classification (germline): Uncertain significance. Review status: criteria provided, multiple submitters, no conflicts (2 of 4 stars). 2 submissions from 2 submitters: Uncertain significance (2). Last evaluated 2025-09-11.

Submissions (2):

Ambry Genetics
Classification: Uncertain significance. Last evaluated: 2025-09-11. Review status: criteria provided, single submitter. Criteria: Ambry Variant Classification Scheme 2023. Collection method: clinical testing. Allele origin: germline.

Labcorp Genetics (formerly Invitae), Labcorp
Classification: Uncertain significance. Last evaluated: 2024-03-07. Review status: criteria provided, single submitter. Criteria: Invitae Variant Classification Sherloc (09022015). Collection method: clinical testing. Allele origin: germline.
Comment: This sequence change replaces lysine, which is basic and polar, with arginine, which is basic and polar, at codon 221 of the CLUAP1 protein (p.Lys221Arg). This variant is present in population databases (rs745480497, gnomAD 0.01%). This variant has not been reported in the literature in individuals affected with CLUAP1-related conditions. Advanced modeling of protein sequence and biophysical properties (such as structural, functional, and spatial information, amino acid conservation, physicochemical variation, residue mobility, and thermodynamic stability) performed at Invitae indicates that this missense variant is not expected to disrupt CLUAP1 protein function with a negative predictive value of 80%. In summary, the available evidence is currently insufficient to determine the role of this variant in disease. Therefore, it has been classified as a Variant of Uncertain Significance.

NM_015041.3(CLUAP1):c.662A>G (p.Lys221Arg)

Gene: CLUAP1 (clusterin associated protein 1; plus strand). Cytogenetic location: 16p13.3.
Variant type: single nucleotide variant.
Coding change: c.662A>G on transcript NM_015041.3 (MANE Select); coding-DNA position 662, A replaced by G.
Protein change: p.Lys221Arg; replaces lysine 221 with arginine.
Molecular consequence: missense variant.
Genome position (GRCh38, 1-based): chr16:3,519,985, A>G. VCF-style: chr16-3519985-A-G. GRCh37 (hg19) VCF-style: chr16-3569985-A-G.
Other names: c.662A>G, p.Lys221Arg (NM_001330454.2); c.164A>G, p.Lys55Arg (NM_024793.3); c.662A>G (NM_015041.1); short protein forms K55R, K221R.
Identifiers: ClinVar variation 3696185 (VCV003696185.3).